The following is an entry in ClinVar:

NM_000384.3(APOB):c.8441T>G (p.Leu2814Arg)

Gene: APOB (apolipoprotein B; minus strand). Cytogenetic location: 2p24.1.
Variant type: single nucleotide variant.
Coding change: c.8441T>G on transcript NM_000384.3 (MANE Select); coding-DNA position 8441, T replaced by G.
Protein change: p.Leu2814Arg; replaces leucine 2814 with arginine.
Molecular consequence: missense variant.
Genome position (GRCh38, 1-based): chr2:21,008,427, A>C on the plus strand (T>G on the coding strand, the complement: APOB is on the minus strand). VCF-style: chr2-21008427-A-C. GRCh37 (hg19) VCF-style: chr2-21231299-A-C.
Other names: short protein forms L2814R.
Identifiers: ClinVar variation 4082711 (VCV004082711.1).
Genomic context (GRCh38, chr2:21,008,427, plus strand): 5'-TACTTGCTGGAGAACTTCACTGACTCCTTCAGAGCCAGCGGATTAATCTTAGGGTTTGAG[A>C]GTTGTGCATTTGCTTGAAAATCAAAATTGAGAACTTCTAATTTGGACTCTCCTTTGGCAG-3'
Protein context (NP_000375.3, residues 2804-2824): LNFDFQANAQ[Leu2814Arg]SNPKINPLAL

ClinVar aggregate classification (germline): Uncertain significance (1 of 4 stars; one submission).

Submission:

GeneDx
Classification: Uncertain significance. Last evaluated: 2025-03-10. Review status: criteria provided, single submitter. Criteria: GeneDx Variant Classification Process June 2021. Collection method: clinical testing. Allele origin: germline. Affected: yes.
Comment: Not observed at significant frequency in large population cohorts (gnomAD); In silico analysis supports that this missense variant has a deleterious effect on protein structure/function; Has not been previously published as pathogenic or benign to our knowledge